The following is an entry in ClinVar:

ClinVar aggregate classification (germline): Uncertain significance (1 of 4 stars; one submission).

Conditions:
Primary ciliary dyskinesia. Also called: Ciliary dyskinesia. Identifiers: Orphanet 244, MedGen C0008780, MONDO:0016575, HP:0012265.

Submission:

Labcorp Genetics (formerly Invitae), Labcorp
Classification: Uncertain significance for Primary ciliary dyskinesia. Last evaluated: 2020-01-27. Review status: criteria provided, single submitter. Criteria: Invitae Variant Classification Sherloc (09022015). Collection method: clinical testing. Allele origin: germline.
Comment: This variant has not been reported in the literature in individuals with RSPH1-related conditions. Algorithms developed to predict the effect of missense changes on protein structure and function (SIFT, PolyPhen-2, Align-GVGD) all suggest that this variant is likely to be tolerated, but these predictions have not been confirmed by published functional studies and their clinical significance is uncertain. In summary, the available evidence is currently insufficient to determine the role of this variant in disease. Therefore, it has been classified as a Variant of Uncertain Significance. This sequence change replaces aspartic acid with asparagine at codon 237 of the RSPH1 protein (p.Asp237Asn). The aspartic acid residue is weakly conserved and there is a small physicochemical difference between aspartic acid and asparagine. This variant is not present in population databases (ExAC no frequency).

NM_080860.4(RSPH1):c.709G>A (p.Asp237Asn)

Gene: RSPH1 (radial spoke head component 1; minus strand). Cytogenetic location: 21q22.3.
Variant type: single nucleotide variant.
Coding change: c.709G>A on transcript NM_080860.4 (MANE Select); coding-DNA position 709, G replaced by A.
Protein change: p.Asp237Asn; replaces aspartic acid 237 with asparagine.
Molecular consequence: missense variant.
Genome position (GRCh38, 1-based): chr21:42,477,309, C>T on the plus strand (G>A on the coding strand, the complement: RSPH1 is on the minus strand). VCF-style: chr21-42477309-C-T. GRCh37 (hg19) VCF-style: chr21-43897419-C-T.
Other names: c.595G>A, p.Asp199Asn (NM_001286506.2); short protein forms D199N, D237N.
Identifiers: ClinVar variation 1062320 (VCV001062320.9), dbSNP rs368695982, ClinGen allele CA410362741.